The following is an entry in ClinVar:

ClinVar aggregate classification (germline): Uncertain significance (1 of 4 stars; one submission).

Conditions:
Congenital contractural arachnodactyly (CCA). Also called: BEALS SYNDROME; Beals-Hecht syndrome; Arthrogryposis, distal, type 9. Identifiers: Orphanet 115, MedGen C0220668, MONDO:0007363, OMIM 121050.

Allele frequency attached by ClinVar (database versions not stated): TOPMed 0.00001.
gnomAD v4.1: 4 of 1,614,186 alleles (0.00025%); highest among the groups gnomAD compares: Non-Finnish European, 0.00034%; no homozygotes.

Submission:

Labcorp Genetics (formerly Invitae), Labcorp
Classification: Uncertain significance for Congenital contractural arachnodactyly. Last evaluated: 2020-05-12. Review status: criteria provided, single submitter. Criteria: Invitae Variant Classification Sherloc (09022015). Collection method: clinical testing. Allele origin: germline.
Comment: In summary, the available evidence is currently insufficient to determine the role of this variant in disease. Therefore, it has been classified as a Variant of Uncertain Significance. Algorithms developed to predict the effect of missense changes on protein structure and function are either unavailable or do not agree on the potential impact of this missense change (SIFT: "Deleterious"; PolyPhen-2: "Probably Damaging"; Align-GVGD: "Class C0"). This variant has not been reported in the literature in individuals with FBN2-related conditions. This variant is not present in population databases (ExAC no frequency). This sequence change replaces cysteine with phenylalanine at codon 254 of the FBN2 protein (p.Cys254Phe). The cysteine residue is highly conserved and there is a large physicochemical difference between cysteine and phenylalanine.

NM_001999.4(FBN2):c.761G>T (p.Cys254Phe)

Gene: FBN2 (fibrillin 2; minus strand). Cytogenetic location: 5q23.3.
Variant type: single nucleotide variant.
Coding change: c.761G>T on transcript NM_001999.4 (MANE Select); coding-DNA position 761, G replaced by T.
Protein change: p.Cys254Phe; replaces cysteine 254 with phenylalanine.
Molecular consequence: missense variant.
Genome position (GRCh38, 1-based): chr5:128,464,789, C>A on the plus strand (G>T on the coding strand, the complement: FBN2 is on the minus strand). VCF-style: chr5-128464789-C-A. GRCh37 (hg19) VCF-style: chr5-127800482-C-A.
Other names: short protein forms C254F.
Identifiers: ClinVar variation 1040354 (VCV001040354.11), dbSNP rs755760127, ClinGen allele CA360754920.